The following is an entry in ClinVar:

ClinVar aggregate classification (germline): Uncertain significance (1 of 4 stars; one submission).

Conditions:
Oligodontia-cancer predisposition syndrome. Also called: TOOTH AGENESIS-COLORECTAL CANCER SYNDROME. Identifiers: Orphanet 300576, MedGen C1837750, MONDO:0012075, OMIM 608615. Disease mechanism: loss of function.

gnomAD v4.1: 2 of 1,614,152 alleles (0.00012%); highest among the groups gnomAD compares: East Asian, 0.0045%; no homozygotes.

Submission:

Labcorp Genetics (formerly Invitae), Labcorp
Classification: Uncertain significance for Oligodontia-cancer predisposition syndrome. Last evaluated: 2024-07-13. Review status: criteria provided, single submitter. Criteria: Invitae Variant Classification Sherloc (09022015). Collection method: clinical testing. Allele origin: germline.
Comment: This sequence change replaces asparagine, which is neutral and polar, with isoleucine, which is neutral and non-polar, at codon 725 of the AXIN2 protein (p.Asn725Ile). This variant is present in population databases (rs533243256, gnomAD 0.01%). This variant has not been reported in the literature in individuals affected with AXIN2-related conditions. An algorithm developed to predict the effect of missense changes on protein structure and function (PolyPhen-2) suggests that this variant is likely to be disruptive. In summary, the available evidence is currently insufficient to determine the role of this variant in disease. Therefore, it has been classified as a Variant of Uncertain Significance.

NM_004655.4(AXIN2):c.2174A>T (p.Asn725Ile)

Gene: AXIN2 (axin 2; minus strand). Cytogenetic location: 17q24.1.
Variant type: single nucleotide variant.
Coding change: c.2174A>T on transcript NM_004655.4 (MANE Select); coding-DNA position 2174, A replaced by T.
Protein change: p.Asn725Ile; replaces asparagine 725 with isoleucine.
Molecular consequence: missense variant.
Genome position (GRCh38, 1-based): chr17:65,535,689, T>A on the plus strand (A>T on the coding strand, the complement: AXIN2 is on the minus strand). VCF-style: chr17-65535689-T-A. GRCh37 (hg19) VCF-style: chr17-63531807-T-A.
Other names: c.1979A>T, p.Asn660Ile (NM_001363813.1); short protein forms N660I, N725I.
Identifiers: ClinVar variation 3659425 (VCV003659425.2).